The following is an entry in ClinVar:

NM_001079843.3(CASZ1):c.3215C>T (p.Pro1072Leu)

Gene: CASZ1 (castor zinc finger 1; minus strand). Cytogenetic location: 1p36.22.
Variant type: single nucleotide variant.
Coding change: c.3215C>T on transcript NM_001079843.3 (MANE Select); coding-DNA position 3215, C replaced by T.
Protein change: p.Pro1072Leu; replaces proline 1072 with leucine.
Molecular consequence: missense variant.
Genome position (GRCh38, 1-based): chr1:10,648,083, G>A on the plus strand (C>T on the coding strand, the complement: CASZ1 is on the minus strand). VCF-style: chr1-10648083-G-A. GRCh37 (hg19) VCF-style: chr1-10708140-G-A.
Other names: c.3215C>T (NM_001079843.1); c.3215C>T, p.Pro1072Leu (NM_017766.5); short protein forms P1072L.
Identifiers: ClinVar variation 1419471 (VCV001419471.10), dbSNP rs142874965, ClinGen allele CA584575.

ClinVar aggregate classification (germline): Conflicting classifications of pathogenicity. Review status: criteria provided, conflicting classifications (1 of 4 stars). 3 submissions from 3 submitters: Uncertain significance (2); Likely benign (1). Last evaluated 2024-07-11.

Allele frequency attached by ClinVar (database versions not stated): gnomAD 0.00013 and 0.00015; TOPMed 0.00014; ESP Exome Variant Server 0.00015; gnomAD exomes 0.00015 and 0.00025; ExAC 0.00028.
gnomAD v4.1: 368 of 1,578,716 alleles (0.023%); highest among the groups gnomAD compares: Non-Finnish European, 0.03%; 2 homozygotes.

Submissions (3):

Blueprint Genetics
Classification: Likely benign. Last evaluated: 2024-07-11. Review status: criteria provided, single submitter. Criteria: ACMG Guidelines, 2015. Collection method: clinical testing. Allele origin: germline.

Labcorp Genetics (formerly Invitae), Labcorp
Classification: Uncertain significance. Last evaluated: 2024-03-19. Review status: criteria provided, single submitter. Criteria: Invitae Variant Classification Sherloc (09022015). Collection method: clinical testing. Allele origin: germline.
Comment: This sequence change replaces proline, which is neutral and non-polar, with leucine, which is neutral and non-polar, at codon 1072 of the CASZ1 protein (p.Pro1072Leu). This variant is present in population databases (rs142874965, gnomAD 0.03%). This variant has not been reported in the literature in individuals affected with CASZ1-related conditions. ClinVar contains an entry for this variant (Variation ID: 1419471). An algorithm developed to predict the effect of missense changes on protein structure and function (PolyPhen-2) suggests that this variant is likely to be tolerated. In summary, the available evidence is currently insufficient to determine the role of this variant in disease. Therefore, it has been classified as a Variant of Uncertain Significance.

Ambry Genetics
Classification: Uncertain significance. Last evaluated: 2023-12-21. Review status: criteria provided, single submitter. Criteria: Ambry Variant Classification Scheme 2023. Collection method: clinical testing. Allele origin: germline.